The following is an entry in ClinVar:

ClinVar aggregate classification (germline): Likely benign. Review status: criteria provided, multiple submitters, no conflicts (2 of 4 stars). 5 submissions from 5 submitters: Likely benign (5). Last evaluated 2026-01-01.

Conditions:
Cardiovascular phenotype. Identifiers: MedGen CN230736.
Alstrom syndrome (ALMS). Identifiers: Orphanet 64, MedGen C0268425, MONDO:0008763, OMIM 203800.

Allele frequency attached by ClinVar (database versions not stated): TOPMed 0.00001; gnomAD exomes 0.00003 and 0.00006; ExAC 0.00005.
gnomAD v4.1: 15 of 1,609,336 alleles (0.00093%); highest among the groups gnomAD compares: Admixed American, 0.024%; no homozygotes.

Submissions (5):

CeGaT Center for Human Genetics Tuebingen
Classification: Likely benign. Last evaluated: 2026-01-01. Review status: criteria provided, single submitter. Criteria: CeGaT Center For Human Genetics Tuebingen Variant Classification Criteria Version 2. Collection method: clinical testing. Allele origin: germline. Affected: yes. Observed: 1 variant allele.
Comment: ALMS1: BP4, BP7

Labcorp Genetics (formerly Invitae), Labcorp
Classification: Likely benign for Alstrom syndrome. Last evaluated: 2025-08-18. Review status: criteria provided, single submitter. Criteria: Invitae Variant Classification Sherloc (09022015). Collection method: clinical testing. Allele origin: germline.

Ambry Genetics
Classification: Likely benign for Cardiovascular phenotype. Last evaluated: 2023-07-16. Review status: criteria provided, single submitter. Criteria: Ambry Variant Classification Scheme 2023. Collection method: clinical testing. Allele origin: germline.

Blueprint Genetics
Classification: Likely benign. Last evaluated: 2022-11-06. Review status: criteria provided, single submitter. Criteria: ACMG Guidelines, 2015. Collection method: clinical testing. Allele origin: germline.

Fulgent Genetics
Classification: Likely benign for Alstrom syndrome. Last evaluated: 2021-11-24. Review status: criteria provided, single submitter. Criteria: ACMG Guidelines, 2015. Collection method: clinical testing. Allele origin: unknown.

NM_001378454.1(ALMS1):c.10494T>C (p.His3498=)

Gene: ALMS1 (ALMS1 centrosome and basal body associated protein; plus strand). Cytogenetic location: 2p13.1.
Variant type: single nucleotide variant.
Coding change: c.10494T>C on transcript NM_001378454.1 (MANE Select); coding-DNA position 10494, T replaced by C.
Protein change: p.His3498=; no amino-acid change (histidine 3498 retained).
Molecular consequence: synonymous variant.
Genome position (GRCh38, 1-based): chr2:73,572,371, T>C. VCF-style: chr2-73572371-T-C. GRCh37 (hg19) VCF-style: chr2-73799498-T-C.
Other names: c.10497T>C, p.His3499= (NM_015120.4).
Identifiers: ClinVar variation 1109485 (VCV001109485.16), dbSNP rs769856570, ClinGen allele CA1715015.
Genomic context (GRCh38, chr2:73,572,371, plus strand): 5'-GTCAGCAAAGTTTTACATTCATCATCCCGTACACCTACCAAGTGATCAAGATATTTGCCA[T>C]GAATCTTTGGGAAAGAGTGTTTTCATGAGACATTCTTGGAAAGATTTCTTTCAGCATCAT-3'
Protein context (NP_001365383.1, residues 3488-3508): VHLPSDQDIC[His3498=]ESLGKSVFMR